The following is an entry in ClinVar:

NM_002485.5(NBN):c.802A>C (p.Thr268Pro)

Gene: NBN (nibrin; minus strand). Cytogenetic location: 8q21.3.
Variant type: single nucleotide variant.
Coding change: c.802A>C on transcript NM_002485.5 (MANE Select); coding-DNA position 802, A replaced by C.
Protein change: p.Thr268Pro; replaces threonine 268 with proline.
Molecular consequence: missense variant.
Genome position (GRCh38, 1-based): chr8:89,970,458, T>G on the plus strand (A>C on the coding strand, the complement: NBN is on the minus strand). VCF-style: chr8-89970458-T-G. GRCh37 (hg19) VCF-style: chr8-90982686-T-G.
Other names: c.556A>C, p.Thr186Pro (NM_001024688.3); short protein forms T186P, T268P.
Identifiers: ClinVar variation 2452405 (VCV002452405.2), dbSNP rs2129829282, ClinGen allele CA371658597.
Genomic context (GRCh38, chr8:89,970,458, plus strand): 5'-TCTTCTGACAGTCAGGAATTAAGGTCTGTGAGTTTGTTATTCCTGTATCAACAACACACG[T>G]TCCCGGAGCCAAAAAGAAATTATGTTCTTCTTCATTCTCTTCTGTTATCAACCTAGCTTC-3'
Protein context (NP_002476.2, residues 258-278): EEHNFFLAPG[Thr268Pro]CVVDTGITNS

ClinVar aggregate classification (germline): Uncertain significance (1 of 4 stars; one submission).

Conditions:
Hereditary cancer-predisposing syndrome. Also called: Neoplastic Syndromes, Hereditary; Tumor predisposition; Hereditary neoplastic syndrome; Hereditary Cancer Syndrome. Identifiers: Orphanet 140162, MedGen C0027672, MeSH D009386, MONDO:0015356.

Submission:

Ambry Genetics
Classification: Uncertain significance for Hereditary cancer-predisposing syndrome. Last evaluated: 2023-02-16. Review status: criteria provided, single submitter. Criteria: Ambry Variant Classification Scheme 2023. Collection method: clinical testing. Allele origin: germline.
Comment: The p.T268P variant (also known as c.802A>C), located in coding exon 7 of the NBN gene, results from an A to C substitution at nucleotide position 802. The threonine at codon 268 is replaced by proline, an amino acid with highly similar properties. This amino acid position is conserved. In addition, this alteration is predicted to be tolerated by in silico analysis. Since supporting evidence is limited at this time, the clinical significance of this alteration remains unclear.